The following is an entry in ClinVar:

ClinVar aggregate classification (germline): Uncertain significance. Review status: criteria provided, multiple submitters, no conflicts (2 of 4 stars). 2 submissions from 2 submitters: Uncertain significance (2). Last evaluated 2024-09-01.

Conditions:
Dilated cardiomyopathy 1HH (CMD1HH). Identifiers: Orphanet 154, MedGen C3151293, MONDO:0013479, OMIM 613881.
Myofibrillar myopathy 6. Identifiers: Orphanet 199340, MedGen C2751831, MONDO:0013061, OMIM 612954.

gnomAD v4.1: 1 of 1,609,398 alleles (0.000062%); highest among the groups gnomAD compares: Non-Finnish European, 0.000085%; no homozygotes.

Submissions (2):

CeGaT Center for Human Genetics Tuebingen
Classification: Uncertain significance. Last evaluated: 2024-09-01. Review status: criteria provided, single submitter. Criteria: CeGaT Center For Human Genetics Tuebingen Variant Classification Criteria Version 2. Collection method: clinical testing. Allele origin: germline. Affected: yes. Observed: 1 variant allele.
Comment: BAG3: PM2, PM6, BP4

Labcorp Genetics (formerly Invitae), Labcorp
Classification: Uncertain significance for Dilated cardiomyopathy 1HH; Myofibrillar myopathy 6. Last evaluated: 2022-08-23. Review status: criteria provided, single submitter. Criteria: Invitae Variant Classification Sherloc (09022015). Collection method: clinical testing. Allele origin: germline.
Comment: In summary, the available evidence is currently insufficient to determine the role of this variant in disease. Therefore, it has been classified as a Variant of Uncertain Significance. Algorithms developed to predict the effect of missense changes on protein structure and function are either unavailable or do not agree on the potential impact of this missense change (SIFT: "Tolerated"; PolyPhen-2: "Possibly Damaging"; Align-GVGD: "Class C0"). ClinVar contains an entry for this variant (Variation ID: 1362415). This variant has not been reported in the literature in individuals affected with BAG3-related conditions. This variant is not present in population databases (gnomAD no frequency). This sequence change replaces proline, which is neutral and non-polar, with serine, which is neutral and polar, at codon 162 of the BAG3 protein (p.Pro162Ser).

NM_004281.4(BAG3):c.484C>T (p.Pro162Ser)

Gene: BAG3 (BAG cochaperone 3; plus strand). Cytogenetic location: 10q26.11.
Variant type: single nucleotide variant.
Coding change: c.484C>T on transcript NM_004281.4 (MANE Select); coding-DNA position 484, C replaced by T.
Protein change: p.Pro162Ser; replaces proline 162 with serine.
Molecular consequence: missense variant.
Genome position (GRCh38, 1-based): chr10:119,670,154, C>T. VCF-style: chr10-119670154-C-T. GRCh37 (hg19) VCF-style: chr10-121429666-C-T.
Other names: short protein forms P162S.
Identifiers: ClinVar variation 1362415 (VCV001362415.22), dbSNP rs2134063622, ClinGen allele CA378295182.
Genomic context (GRCh38, chr10:119,670,154, plus strand): 5'-CCAGAAACCACTCAGCCAGATAAACAGTGTGGACAGGTGGCAGCGGCGGCGGCAGCCCAG[C>T]CCCCAGCCTCCCACGGACCTGAGGTAAGGAGAGGCCAGGCTCACCAGCCTGCTGGGGAGC-3'
Protein context (NP_004272.2, residues 152-172): GQVAAAAAAQ[Pro162Ser]PASHGPERSQ